The following is an entry in ClinVar:

ClinVar aggregate classification (germline): Conflicting classifications of pathogenicity. Review status: criteria provided, conflicting classifications (1 of 4 stars). 2 submissions from 2 submitters: Likely pathogenic (1); Uncertain significance (1). Last evaluated 2025-11-26.

Conditions:
GP1BA-related disorder. Also called: GP1BA-related condition.

Submissions (2):

PreventionGenetics, part of Exact Sciences
Classification: Uncertain significance for GP1BA-related condition. Last evaluated: 2025-11-26. Review status: criteria provided, single submitter. Criteria: ACMG Guidelines, 2015. Collection method: clinical testing. Allele origin: germline.
Comment: The GP1BA c.523_525delAAC variant is predicted to result in an in-frame deletion (p.Asn175del). To our knowledge, this variant has not been reported in the literature. This variant has not been reported in a large population database (gnomAD), indicating this variant is rare. At this time, the clinical significance of this variant is uncertain due to the absence of conclusive functional and genetic evidence.

Mayo Clinic Laboratories, Mayo Clinic
Classification: Likely pathogenic. Last evaluated: 2023-10-23. Review status: criteria provided, single submitter. Criteria: ACMG Guidelines, 2015. Collection method: clinical testing. Allele origin: germline. Observed: 1 variant allele.
Comment: PM1, PM2_moderate, PM3

NM_000173.7(GP1BA):c.517AAC[2] (p.Asn175del)

Gene: GP1BA (glycoprotein Ib platelet subunit alpha; plus strand). Cytogenetic location: 17p13.2.
Variant type: Microsatellite.
Coding change: c.517AAC[2] on transcript NM_000173.7 (MANE Select); two copies in a row of the 3-base unit AAC starting at c.517; the reference has three copies in a row; one copy, 3 bases deleted; also written c.523_525del.
Protein change: p.Asn175del; deletes asparagine 175.
Genome position (GRCh38, 1-based): chr17:4,933,127-4,933,129, AAC deleted; deleting any 3 consecutive bases within chr17:4,933,121-4,933,129 gives the same sequence; the position shown is the placement nearest the transcript's 3' end. VCF-style (leftmost placement, unchanged base first): chr17-4933120-TAAC-T. GRCh37 (hg19) VCF-style: chr17-4836415-TAAC-T.
Other names: p.Asn175del; c.523_525del (NM_000173.7); c.523_525delAAC (NM_000173.6); short protein forms N175del.
Identifiers: ClinVar variation 3381152 (VCV003381152.2).